The following is an entry in ClinVar:

ClinVar aggregate classification (germline): Uncertain significance. Review status: criteria provided, multiple submitters, no conflicts (2 of 4 stars). 4 submissions from 4 submitters: Uncertain significance (3). 1 of the submissions does not count toward it. Last evaluated 2022-09-19.

Conditions:
Microcephalic osteodysplastic primordial dwarfism type II (MOPD2). Also called: Microcephalic osteodysplastic primordial dwarfism with tooth abnormalities; MOPD II; OSTEODYSPLASTIC PRIMORDIAL DWARFISM, TYPE II. Identifiers: Orphanet 2637, MedGen C0432246, MONDO:0008872, OMIM 210720.
PCNT-related disorder. Also called: PCNT-related condition.

Allele frequency attached by ClinVar (database versions not stated): TOPMed 0.00006; gnomAD exomes 0.00007 and 0.00012; ESP Exome Variant Server 0.00008; ExAC 0.00015; gnomAD 0.00005 and 0.00006.
gnomAD v4.1: 104 of 1,614,076 alleles (0.0064%); highest among the groups gnomAD compares: East Asian, 0.082%; 2 homozygotes.

Submissions (4):

Labcorp Genetics (formerly Invitae), Labcorp
Classification: Uncertain significance. Last evaluated: 2022-09-19. Review status: criteria provided, single submitter. Criteria: Invitae Variant Classification Sherloc (09022015). Collection method: clinical testing. Allele origin: germline.
Comment: This sequence change replaces arginine, which is basic and polar, with glutamine, which is neutral and polar, at codon 1132 of the PCNT protein (p.Arg1132Gln). This variant is present in population databases (rs200148867, gnomAD 0.07%). This variant has not been reported in the literature in individuals affected with PCNT-related conditions. ClinVar contains an entry for this variant (Variation ID: 340482). Algorithms developed to predict the effect of missense changes on protein structure and function (SIFT, PolyPhen-2, Align-GVGD) all suggest that this variant is likely to be disruptive. In summary, the available evidence is currently insufficient to determine the role of this variant in disease. Therefore, it has been classified as a Variant of Uncertain Significance.

Illumina Laboratory Services, Illumina
Classification: Uncertain significance for Microcephalic osteodysplastic primordial dwarfism type II. Last evaluated: 2018-01-13. Review status: criteria provided, single submitter. Criteria: ICSL Variant Classification Criteria 13 December 2019. Collection method: clinical testing. Allele origin: germline.

Breakthrough Genomics
Classification: Uncertain significance. Review status: criteria provided, single submitter. Criteria: ACMG Guidelines, 2015. Collection method: not provided. Allele origin: germline. Inheritance: Autosomal dominant inheritance. Affected: yes.

PreventionGenetics, part of Exact Sciences
Classification: Uncertain significance for PCNT-related condition. Last evaluated: 2024-03-11. Review status: no assertion criteria provided. Collection method: clinical testing. Allele origin: germline. Not counted in ClinVar's aggregate classification.
Comment: The PCNT c.3395G>A variant is predicted to result in the amino acid substitution p.Arg1132Gln. To our knowledge, this variant has not been reported in the literature. This variant is reported in 0.085% of alleles in individuals of East Asian descent in gnomAD. Although we suspect that this variant may be benign, at this time, the clinical significance of this variant is uncertain due to the absence of conclusive functional and genetic evidence.

NM_006031.6(PCNT):c.3395G>A (p.Arg1132Gln)

Gene: PCNT (pericentrin; plus strand). Cytogenetic location: 21q22.3.
Variant type: single nucleotide variant.
Coding change: c.3395G>A on transcript NM_006031.6 (MANE Select); coding-DNA position 3395, G replaced by A.
Protein change: p.Arg1132Gln; replaces arginine 1132 with glutamine.
Molecular consequence: missense variant.
Genome position (GRCh38, 1-based): chr21:46,385,914, G>A. VCF-style: chr21-46385914-G-A. GRCh37 (hg19) VCF-style: chr21-47805829-G-A.
Other names: c.3041G>A, p.Arg1014Gln (NM_001315529.2); short protein forms R1132Q, R1014Q.
Identifiers: ClinVar variation 340482 (VCV000340482.12), dbSNP rs200148867, ClinGen allele CA10079280.